The following is an entry in ClinVar:

ClinVar aggregate classification (germline): Uncertain significance (0 of 4 stars; one submission).

Conditions:
PHIP-related disorder. Also called: PHIP-related condition; PHIP-related disorders.

Submission:

PreventionGenetics, part of Exact Sciences
Classification: Uncertain significance for PHIP-related condition. Last evaluated: 2024-06-26. Review status: no assertion criteria provided. Collection method: clinical testing. Allele origin: germline.
Comment: The PHIP c.3412C>T variant is predicted to result in the amino acid substitution p.Pro1138Ser. To our knowledge, this variant has not been reported in the literature or in gnomAD, indicating this variant is rare. At this time, the clinical significance of this variant is uncertain due to the absence of conclusive functional and genetic evidence.

NM_017934.7(PHIP):c.3412C>T (p.Pro1138Ser)

Genes: IRAK1BP1 (interleukin 1 receptor associated kinase 1 binding protein 1; plus strand), PHIP (PHIP subunit of CUL4-Ring ligase complex; minus strand). Cytogenetic location: 6q14.1.
Variant type: single nucleotide variant.
Coding change: c.3412C>T on transcript NM_017934.7 (MANE Select); coding-DNA position 3412, C replaced by T.
Protein change: p.Pro1138Ser; replaces proline 1138 with serine.
Molecular consequence: missense variant.
Genome position (GRCh38, 1-based): chr6:78,963,220, G>A on the plus strand (C>T on the coding strand, the complement: PHIP is on the minus strand). VCF-style: chr6-78963220-G-A. GRCh37 (hg19) VCF-style: chr6-79672937-G-A.
Other names: short protein forms P1138S.
Identifiers: ClinVar variation 3353250 (VCV003353250.1).